The following is an entry in ClinVar:

NM_173495.3(PTCHD1):c.946G>A (p.Gly316Arg)

Gene: PTCHD1 (patched domain containing 1; plus strand). Cytogenetic location: Xp22.11.
Variant type: single nucleotide variant.
Coding change: c.946G>A on transcript NM_173495.3 (MANE Select); coding-DNA position 946, G replaced by A.
Protein change: p.Gly316Arg; replaces glycine 316 with arginine.
Molecular consequence: missense variant.
Genome position (GRCh38, 1-based): chrX:23,380,185, G>A. VCF-style: chrX-23380185-G-A. GRCh37 (hg19) VCF-style: chrX-23398302-G-A.
Other names: short protein forms G316R.
Identifiers: ClinVar variation 4292920 (VCV004292920.1).

ClinVar aggregate classification (germline): Uncertain significance (1 of 4 stars; one submission).

Conditions:
Autism, susceptibility to, X-linked 4 (AUTSX4). Identifiers: MedGen C0795888, MONDO:0010440, OMIM 300830.

gnomAD v4.1: 1 of 1,211,021 alleles (0.000083%); no homozygotes.

Submission:

3billion
Classification: Uncertain significance for Autism, susceptibility to, X-linked 4. Last evaluated: 2025-02-11. Review status: criteria provided, single submitter. Criteria: ACMG Guidelines, 2015. Collection method: clinical testing. Allele origin: germline. Affected: yes.
Comment: The variant is observed at an extremely low frequency in the gnomAD v4.1.0 dataset (total allele frequency: <0.001%). Predicted Consequence/Location: Missense variant. The majority of the known disease-causing variants of this gene are variants expected to result in premature termination of the protein. In silico tool predictions suggest damaging effect of the variant on gene or gene product [REVEL: 0.94 (>=0.6, sensitivity 0.68 and specificity 0.92)]. Therefore, this variant is classified as VUS according to the recommendation of ACMG/AMP guideline.